The following is an entry in ClinVar:

NM_001164508.2(NEB):c.2923G>A (p.Ala975Thr)

Gene: NEB (nebulin; minus strand). Cytogenetic location: 2q23.3.
Variant type: single nucleotide variant.
Coding change: c.2923G>A on transcript NM_001164508.2 (MANE Select); coding-DNA position 2923, G replaced by A.
Protein change: p.Ala975Thr; replaces alanine 975 with threonine.
Molecular consequence: missense variant.
Genome position (GRCh38, 1-based): chr2:151,682,682, C>T on the plus strand (G>A on the coding strand, the complement: NEB is on the minus strand). VCF-style: chr2-151682682-C-T. GRCh37 (hg19) VCF-style: chr2-152539196-C-T.
Other names: c.2923G>A, p.Ala975Thr (NM_001164507.2, NM_001271208.2, NM_004543.5); short protein forms A975T.
Identifiers: ClinVar variation 534025 (VCV000534025.13), dbSNP rs917645712, ClinGen allele CA57661924.
Genomic context (GRCh38, chr2:151,682,682, plus strand): 5'-ACAGTCACCACTCTCCCTCTGACACACCCAGTGGCTTTACCTCATTGAGGATGTCTGAAG[C>T]TCGCTTTGCCTTTTCCATTTCTAAGGACCCAAAAGGCACCCAGCCACAACCTTTCATCCA-3'
Protein context (NP_001157980.2, residues 965-985): GSLEMEKAKR[Ala975Thr]SDILNEKKYR

ClinVar aggregate classification (germline): Uncertain significance. Review status: criteria provided, single submitter (1 of 4 stars). 2 submissions from 2 submitters: Uncertain significance (1). 1 of the submissions does not count toward it. Last evaluated 2021-09-01.

Conditions:
Nemaline myopathy 2 (NEM2). Also called: Nemaline myopathy 2, autosomal recessive. Identifiers: MedGen C1850569, MONDO:0009725, OMIM 256030.

Allele frequency attached by ClinVar (database versions not stated): gnomAD exomes below 0.00001; TOPMed below 0.00001; gnomAD 0.00001.
gnomAD v4.1: 2 of 1,612,732 alleles (0.00012%); highest among the groups gnomAD compares: Non-Finnish European, 0.00017%; no homozygotes.

Submissions (2):

Labcorp Genetics (formerly Invitae), Labcorp
Classification: Uncertain significance for Nemaline myopathy 2. Last evaluated: 2021-09-01. Review status: criteria provided, single submitter. Criteria: Invitae Variant Classification Sherloc (09022015). Collection method: clinical testing. Allele origin: germline.
Comment: This sequence change replaces alanine with threonine at codon 975 of the NEB protein (p.Ala975Thr). The alanine residue is moderately conserved and there is a small physicochemical difference between alanine and threonine. This variant is not present in population databases (ExAC no frequency). This variant has not been reported in the literature in individuals affected with NEB-related conditions. Algorithms developed to predict the effect of missense changes on protein structure and function are either unavailable or do not agree on the potential impact of this missense change (SIFT: "Deleterious"; PolyPhen-2: "Not Available"; Align-GVGD: "Class C0"). In summary, the available evidence is currently insufficient to determine the role of this variant in disease. Therefore, it has been classified as a Variant of Uncertain Significance.

Natera, Inc.
Classification: Uncertain significance for Nemaline myopathy type 2. Last evaluated: 2021-02-11. Review status: no assertion criteria provided. Collection method: clinical testing. Allele origin: germline. Not counted in ClinVar's aggregate classification.